The following is an entry in ClinVar:

NM_000020.3(ACVRL1):c.772+5G>A

Gene: ACVRL1 (activin A receptor like type 1; plus strand). Cytogenetic location: 12q13.13.
Variant type: single nucleotide variant.
Coding change: c.772+5G>A on transcript NM_000020.3 (MANE Select); 5 bases into the intron after coding-DNA position 772, G replaced by A.
Molecular consequence: intron variant.
Genome position (GRCh38, 1-based): chr12:51,914,590, G>A. VCF-style: chr12-51914590-G-A. GRCh37 (hg19) VCF-style: chr12-52308374-G-A.
Other names: c.772+5G>A (NM_001077401.2).
Identifiers: ClinVar variation 1760317 (VCV001760317.5), dbSNP rs2540162946, ClinGen allele CA2580086474.

ClinVar aggregate classification (germline): Pathogenic/Likely pathogenic. Review status: criteria provided, multiple submitters, no conflicts (2 of 4 stars). 3 submissions from 3 submitters: Pathogenic (1); Likely pathogenic (2). Last evaluated 2026-06-03.

Conditions:
Cardiovascular phenotype. Identifiers: MedGen CN230736.
Telangiectasia, hereditary hemorrhagic, type 2 (HHT2). Also called: ACVRL1-Related Hereditary Hemorrhagic Telangiectasia; Telangiectasia, hereditary hemorrhagic, type II. Identifiers: Orphanet 774, MedGen C1838163, MONDO:0010880, OMIM 600376. Disease mechanism: loss of function.

Submissions (3):

Ambry Genetics
Classification: Likely pathogenic for Cardiovascular phenotype. Last evaluated: 2026-06-03. Review status: criteria provided, single submitter. Criteria: Ambry Variant Classification Scheme 2023. Collection method: clinical testing. Allele origin: germline.
Comment: The c.772+5G>A intronic variant results from a G to A substitution 5 nucleotides after coding exon 5 in the ACVRL1 gene. This variant was reported in individual(s) with features consistent with ACVRL1-related vascular disorder (McDonald J et al. Genet Med, 2020 Jul;22:1201-1205; Ambry internal data; external communication). This nucleotide position is highly conserved in available vertebrate species. In silico splice site analysis predicts that this alteration may weaken the native splice donor site. This variant is considered to be rare based on population cohorts in the Genome Aggregation Database (gnomAD). Based on the majority of available evidence to date, this variant is likely to be pathogenic.

Labcorp Genetics (formerly Invitae), Labcorp
Classification: Likely pathogenic for Telangiectasia, hereditary hemorrhagic, type 2. Last evaluated: 2026-01-12. Review status: criteria provided, single submitter. Criteria: Invitae Variant Classification Sherloc (09022015). Collection method: clinical testing. Allele origin: germline.
Comment: This sequence change falls in intron 6 of the ACVRL1 gene. It does not directly change the encoded amino acid sequence of the ACVRL1 protein. It affects a nucleotide within the consensus splice site. This variant is not present in population databases (gnomAD no frequency). This variant has been observed in individual(s) with clinical features of hereditary hemorrhagic telangiectasia (PMID: 32300199; internal data). ClinVar contains an entry for this variant (Variation ID: 1760317). Variants that disrupt the consensus splice site are a relatively common cause of aberrant splicing (PMID: 17576681, 9536098). Algorithms developed to predict the effect of sequence changes on RNA splicing suggest that this variant may disrupt the consensus splice site. In summary, the currently available evidence indicates that the variant is pathogenic, but additional data are needed to prove that conclusively. Therefore, this variant has been classified as Likely Pathogenic.

ARUP Laboratories, Molecular Genetics and Genomics, ARUP Laboratories
Classification: Pathogenic for Telangiectasia, hereditary hemorrhagic, type 2. Last evaluated: 2023-03-23. Review status: criteria provided, single submitter. Criteria: ARUP Molecular Germline Variant Investigation Process 2024. Collection method: clinical testing. Allele origin: germline.
Comment: The ACVRL1 c.772+5G>A variant is reported in an individual who met Curacao diagnostic criteria for HHT (McDonald 2020). This variant is also reported in ClinVar (Variation ID: 1760317). This variant has been found to track with symptoms of HHT in family correlation studies at ARUP Laboratories. It is absent from the Genome Aggregation Database, indicating it is not a common polymorphism. Based on available information, this variant is considered to be pathogenic. References: McDonald J et al. Curacao diagnostic criteria for hereditary hemorrhagic telangiectasia is highly predictive of a pathogenic variant in ENG or ACVRL1 (HHT1 and HHT2). Genet Med. 2020 Jul;22(7):1201-1205. PMID: 32300199.

Literature cited by the submitters: PubMed 32300199 (cited by Ambry Genetics and Labcorp Genetics (formerly Invitae), Labcorp); PubMed 17576681 (cited by Labcorp Genetics (formerly Invitae), Labcorp); PubMed 9536098 (cited by Labcorp Genetics (formerly Invitae), Labcorp).